The following is an entry in ClinVar:

ClinVar aggregate classification (germline): Uncertain significance. Review status: criteria provided, multiple submitters, no conflicts (2 of 4 stars). 2 submissions from 2 submitters: Uncertain significance (2). Last evaluated 2025-12-31.

Conditions:
Shprintzen-Goldberg syndrome (SGS). Also called: CRANIOSYNOSTOSIS WITH ARACHNODACTYLY AND ABDOMINAL HERNIAS; SHPRINTZEN-GOLDBERG CRANIOSYNOSTOSIS SYNDROME; Marfanoid disorder with craniosynostosis type 1; Marfanoid craniosynostosis syndrome; Shprintzen-Goldberg marfanoid syndrome. Identifiers: Orphanet 2462, MedGen C1321551, MONDO:0008426, OMIM 182212.
Familial thoracic aortic aneurysm and aortic dissection (TAAD). Also called: Thoracic aortic aneurysms and dissections. Identifiers: Orphanet 91387, MedGen C4707243, MONDO:0019625.

Allele frequency attached by ClinVar (database versions not stated): TOPMed 0.00001; ExAC 0.00001; gnomAD 0.00001; gnomAD exomes below 0.00001.
gnomAD v4.1: 5 of 1,611,606 alleles (0.00031%); highest among the groups gnomAD compares: African/African-American, 0.0013%; no homozygotes.

Submissions (2):

Labcorp Genetics (formerly Invitae), Labcorp
Classification: Uncertain significance for Shprintzen-Goldberg syndrome. Last evaluated: 2025-12-31. Review status: criteria provided, single submitter. Criteria: Invitae Variant Classification Sherloc (09022015). Collection method: clinical testing. Allele origin: germline.
Comment: This sequence change replaces alanine, which is neutral and non-polar, with valine, which is neutral and non-polar, at codon 436 of the SKI protein (p.Ala436Val). The frequency data for this variant in the population databases is considered unreliable, as metrics indicate poor data quality at this position in the gnomAD database. This variant has not been reported in the literature in individuals affected with SKI-related conditions. ClinVar contains an entry for this variant (Variation ID: 1769546). Invitae Evidence Modeling of protein sequence and biophysical properties (such as structural, functional, and spatial information, amino acid conservation, physicochemical variation, residue mobility, and thermodynamic stability) indicates that this missense variant is not expected to disrupt SKI protein function with a negative predictive value of 95%. In summary, the available evidence is currently insufficient to determine the role of this variant in disease. Therefore, it has been classified as a Variant of Uncertain Significance.

Ambry Genetics
Classification: Uncertain significance for Familial thoracic aortic aneurysm and aortic dissection. Last evaluated: 2021-01-15. Review status: criteria provided, single submitter. Criteria: Ambry Variant Classification Scheme 2023. Collection method: clinical testing. Allele origin: germline.
Comment: The p.A436V variant (also known as c.1307C>T), located in coding exon 4 of the SKI gene, results from a C to T substitution at nucleotide position 1307. The alanine at codon 436 is replaced by valine, an amino acid with similar properties. This amino acid position is not well conserved in available vertebrate species, and valine is the reference amino acid in other vertebrate species. In addition, this alteration is predicted to be tolerated by in silico analysis. Since supporting evidence is limited at this time, the clinical significance of this alteration remains unclear.

NM_003036.4(SKI):c.1307C>T (p.Ala436Val)

Gene: SKI (SKI proto-oncogene; plus strand). Cytogenetic location: 1p36.32.
Variant type: single nucleotide variant.
Coding change: c.1307C>T on transcript NM_003036.4 (MANE Select); coding-DNA position 1307, C replaced by T.
Protein change: p.Ala436Val; replaces alanine 436 with valine.
Molecular consequence: missense variant.
Genome position (GRCh38, 1-based): chr1:2,303,935, C>T. VCF-style: chr1-2303935-C-T. GRCh37 (hg19) VCF-style: chr1-2235374-C-T.
Other names: short protein forms A436V.
Identifiers: ClinVar variation 1769546 (VCV001769546.5), dbSNP rs747798055, ClinGen allele CA536664.
Genomic context (GRCh38, chr1:2,303,935, plus strand): 5'-CGCCCAACGTGGCCCTCGCACCGCCGGCCCAGCAGAAGGTTGTGAGCAGCCCTCCGTGTG[C>T]CGCCGCCGTCTCCCGGGCCCCCGAGCCTCTCGCCACTTGCACCCAGCCTCGGAAGCGGAA-3'
Protein context (NP_003027.1, residues 426-446): QQKVVSSPPC[Ala436Val]AAVSRAPEPL